The following is an entry in ClinVar:

ClinVar aggregate classification (germline): Uncertain significance (1 of 4 stars; one submission).

Submission:

Labcorp Genetics (formerly Invitae), Labcorp
Classification: Uncertain significance. Last evaluated: 2024-12-04. Review status: criteria provided, single submitter. Criteria: Invitae Variant Classification Sherloc (09022015). Collection method: clinical testing. Allele origin: germline.
Comment: This sequence change replaces asparagine, which is neutral and polar, with serine, which is neutral and polar, at codon 2099 of the PIEZO1 protein (p.Asn2099Ser). This variant is not present in population databases (gnomAD no frequency). This variant has not been reported in the literature in individuals affected with PIEZO1-related conditions. Invitae Evidence Modeling of protein sequence and biophysical properties (such as structural, functional, and spatial information, amino acid conservation, physicochemical variation, residue mobility, and thermodynamic stability) indicates that this missense variant is not expected to disrupt PIEZO1 protein function with a negative predictive value of 80%. In summary, the available evidence is currently insufficient to determine the role of this variant in disease. Therefore, it has been classified as a Variant of Uncertain Significance.

NM_001142864.4(PIEZO1):c.6296A>G (p.Asn2099Ser)

Gene: PIEZO1 (piezo type mechanosensitive ion channel component 1 (Er blood group); minus strand). Cytogenetic location: 16q24.3.
Variant type: single nucleotide variant.
Coding change: c.6296A>G on transcript NM_001142864.4 (MANE Select); coding-DNA position 6296, A replaced by G.
Protein change: p.Asn2099Ser; replaces asparagine 2099 with serine.
Molecular consequence: missense variant.
Genome position (GRCh38, 1-based): chr16:88,719,829, T>C on the plus strand (A>G on the coding strand, the complement: PIEZO1 is on the minus strand). VCF-style: chr16-88719829-T-C. GRCh37 (hg19) VCF-style: chr16-88786237-T-C.
Other names: short protein forms N2099S.
Identifiers: ClinVar variation 3723078 (VCV003723078.2).